The following is an entry in ClinVar:

NM_000222.3(KIT):c.992T>C (p.Val331Ala)

Gene: KIT (KIT proto-oncogene, receptor tyrosine kinase; plus strand). Cytogenetic location: 4q12.
Variant type: single nucleotide variant.
Coding change: c.992T>C on transcript NM_000222.3 (MANE Select); coding-DNA position 992, T replaced by C.
Protein change: p.Val331Ala; replaces valine 331 with alanine.
Molecular consequence: missense variant.
Genome position (GRCh38, 1-based): chr4:54,707,164, T>C. VCF-style: chr4-54707164-T-C. GRCh37 (hg19) VCF-style: chr4-55573330-T-C.
Other names: c.992T>C, p.Val331Ala (NM_001093772.2, NM_001385285.1, NM_001385286.1); c.995T>C, p.Val332Ala (NM_001385284.1, NM_001385288.1, NM_001385290.1 and 1 more transcripts); short protein forms V332A, V331A.
Identifiers: ClinVar variation 2100706 (VCV002100706.6), dbSNP rs2475478675, ClinGen allele CA356900910.
Genomic context (GRCh38, chr4:54,707,164, plus strand): 5'-GATTCATTAATATCTTCCCCATGATAAACACTACAGTATTTGTAAACGATGGAGAAAATG[T>C]AGATTTGATTGTTGAATATGAAGCATTCCCCAAACCTGAACACCAGCAGTGGATCTATAT-3'
Protein context (NP_000213.1, residues 321-341): TTVFVNDGEN[Val331Ala]DLIVEYEAFP

ClinVar aggregate classification (germline): Uncertain significance. Review status: criteria provided, multiple submitters, no conflicts (2 of 4 stars). 3 submissions from 3 submitters: Uncertain significance (3). Last evaluated 2025-02-03.

Conditions:
Hereditary cancer-predisposing syndrome. Also called: Hereditary neoplastic syndrome; Neoplastic Syndromes, Hereditary; Hereditary Cancer Syndrome; Tumor predisposition. Identifiers: Orphanet 140162, MedGen C0027672, MeSH D009386, MONDO:0015356.
Gastrointestinal stromal tumor. Also called: Gastrointestinal stroma tumor; Gastrointestinal stromal tumor, somatic. Identifiers: Orphanet 44890, MedGen C0238198, MeSH D046152, MONDO:0011719, OMIM 606764, HP:0100723.

Submissions (3):

Ambry Genetics
Classification: Uncertain significance for Hereditary cancer-predisposing syndrome. Last evaluated: 2025-02-03. Review status: criteria provided, single submitter. Criteria: Ambry Variant Classification Scheme 2023. Collection method: clinical testing. Allele origin: germline.
Comment: The p.V331A variant (also known as c.992T>C), located in coding exon 6 of the KIT gene, results from a T to C substitution at nucleotide position 992. The valine at codon 331 is replaced by alanine, an amino acid with similar properties. This amino acid position is conserved. In addition, this alteration is predicted to be tolerated by in silico analysis. Based on the available evidence, the clinical significance of this variant remains unclear.

Baylor Genetics
Classification: Uncertain significance for Gastrointestinal stromal tumor. Last evaluated: 2023-12-17. Review status: criteria provided, single submitter. Criteria: ACMG Guidelines, 2015. Collection method: clinical testing. Allele origin: unknown.

Labcorp Genetics (formerly Invitae), Labcorp
Classification: Uncertain significance for Gastrointestinal stromal tumor. Last evaluated: 2022-08-11. Review status: criteria provided, single submitter. Criteria: Invitae Variant Classification Sherloc (09022015). Collection method: clinical testing. Allele origin: germline.
Comment: In summary, the available evidence is currently insufficient to determine the role of this variant in disease. Therefore, it has been classified as a Variant of Uncertain Significance. Algorithms developed to predict the effect of sequence changes on RNA splicing suggest that this variant may create or strengthen a splice site. Algorithms developed to predict the effect of missense changes on protein structure and function (SIFT, PolyPhen-2, Align-GVGD) all suggest that this variant is likely to be tolerated. This variant has not been reported in the literature in individuals affected with KIT-related conditions. This variant is not present in population databases (gnomAD no frequency). This sequence change replaces valine, which is neutral and non-polar, with alanine, which is neutral and non-polar, at codon 331 of the KIT protein (p.Val331Ala).